The following is an entry in ClinVar:

NM_020529.3(NFKBIA):c.297A>C (p.Gly99=)

Gene: NFKBIA (NFKB inhibitor alpha; minus strand). Cytogenetic location: 14q13.2.
Variant type: single nucleotide variant.
Coding change: c.297A>C on transcript NM_020529.3 (MANE Select); coding-DNA position 297, A replaced by C.
Protein change: p.Gly99=; no amino-acid change (glycine 99 retained).
Molecular consequence: synonymous variant.
Genome position (GRCh38, 1-based): chr14:35,403,729, T>G on the plus strand (A>C on the coding strand, the complement: NFKBIA is on the minus strand). VCF-style: chr14-35403729-T-G. GRCh37 (hg19) VCF-style: chr14-35872935-T-G.
Other names: c.297A>C (NM_020529.2).
Identifiers: ClinVar variation 1623444 (VCV001623444.10), dbSNP rs757465465, ClinGen allele CA7155531.

ClinVar aggregate classification (germline): Likely benign. Review status: criteria provided, single submitter (1 of 4 stars). 2 submissions from 2 submitters: Likely benign (1). 1 of the submissions does not count toward it. Last evaluated 2025-06-24.

Conditions:
NFKBIA-related disorder. Also called: NFKBIA-related condition.
Ectodermal dysplasia and immunodeficiency 2. Identifiers: Orphanet 238468, Orphanet 98813, MedGen C2677481, MONDO:0012806, OMIM 612132.

Allele frequency attached by ClinVar (database versions not stated): gnomAD 0.00001; gnomAD exomes 0.00001 and 0.00002; TOPMed 0.00001; ExAC 0.00003.
gnomAD v4.1: 9 of 1,613,766 alleles (0.00056%); highest among the groups gnomAD compares: Admixed American, 0.0017%; no homozygotes.

Submissions (2):

Labcorp Genetics (formerly Invitae), Labcorp
Classification: Likely benign for Ectodermal dysplasia and immunodeficiency 2. Last evaluated: 2025-06-24. Review status: criteria provided, single submitter. Criteria: Invitae Variant Classification Sherloc (09022015). Collection method: clinical testing. Allele origin: germline.

PreventionGenetics, part of Exact Sciences
Classification: Likely benign for NFKBIA-related condition. Last evaluated: 2019-07-31. Review status: no assertion criteria provided. Collection method: clinical testing. Allele origin: germline. Not counted in ClinVar's aggregate classification.
Comment: This variant is classified as likely benign based on ACMG/AMP sequence variant interpretation guidelines (Richards et al. 2015 PMID: 25741868, with internal and published modifications).